The following is an entry in ClinVar:

ClinVar aggregate classification (germline): Uncertain significance. Review status: criteria provided, multiple submitters, no conflicts (2 of 4 stars). 4 submissions from 4 submitters: Uncertain significance (3). 1 of the submissions does not count toward it. Last evaluated 2026-06-05.

Conditions:
Renal tubular acidosis with progressive nerve deafness. Also called: Distal Renal Tubular Acidosis with Progressive Sensorineural Deafness; renal tubular acidosis, distal, 2, with progressive sensorineural hearing loss; RENAL TUBULAR ACIDOSIS, AUTOSOMAL RECESSIVE, WITH PROGRESSIVE NERVE DEAFNESS; RTA WITH PROGRESSIVE NERVE DEAFNESS. Identifiers: MedGen C0403554, MONDO:0009968, OMIM 267300.

Allele frequency attached by ClinVar (database versions not stated): TOPMed 0.00005; gnomAD 0.00007 and 0.00006; gnomAD exomes 0.00007 and 0.00004; ExAC 0.00002.
gnomAD v4.1: 109 of 1,613,960 alleles (0.0068%); highest among the groups gnomAD compares: Non-Finnish European, 0.0085%; no homozygotes.

Submissions (4):

GeneDx
Classification: Uncertain significance. Last evaluated: 2026-06-05. Review status: criteria provided, single submitter. Criteria: GeneDx Variant Classification Process June 2021. Collection method: clinical testing. Allele origin: germline.
Comment: Not observed at significant frequency in large population cohorts (gnomAD); In silico analysis supports that this missense variant has a deleterious effect on protein structure/function; Has not been previously published as pathogenic or benign to our knowledge

Labcorp Genetics (formerly Invitae), Labcorp
Classification: Uncertain significance. Last evaluated: 2021-08-30. Review status: criteria provided, single submitter. Criteria: Invitae Variant Classification Sherloc (09022015). Collection method: clinical testing. Allele origin: germline.
Comment: This sequence change replaces arginine with histidine at codon 314 of the ATP6V1B1 protein (p.Arg314His). The arginine residue is highly conserved and there is a small physicochemical difference between arginine and histidine. This variant is present in population databases (rs782110679, ExAC 0.005%). This variant has not been reported in the literature in individuals affected with ATP6V1B1-related conditions. ClinVar contains an entry for this variant (Variation ID: 228452). Algorithms developed to predict the effect of missense changes on protein structure and function (SIFT, PolyPhen-2, Align-GVGD) all suggest that this variant is likely to be disruptive. In summary, the available evidence is currently insufficient to determine the role of this variant in disease. Therefore, it has been classified as a Variant of Uncertain Significance.

Laboratory for Molecular Medicine, Mass General Brigham Personalized Medicine
Classification: Uncertain significance. Last evaluated: 2015-01-29. Review status: criteria provided, single submitter. Criteria: LMM Criteria. Collection method: clinical testing. Allele origin: germline. Observed: 1 variant allele.
Comment: The p.Arg314His variant in ATP6V1B1 has not been previously reported in individu als with hearing loss. This variant has been identified in 3/66640 of European chromosomes by the Exome Aggregation Consortium (ExAC). Computational prediction tools and conservation analyses do not provide strong support for or against an impact to the protein. In summary, the clinica l significance of the p.Arg314His variant is uncertain.

Natera, Inc.
Classification: Uncertain significance for Renal tubular acidosis with progressive nerve deafness. Last evaluated: 2019-10-28. Review status: no assertion criteria provided. Collection method: clinical testing. Allele origin: germline. Not counted in ClinVar's aggregate classification.

NM_001692.4(ATP6V1B1):c.941G>A (p.Arg314His)

Gene: ATP6V1B1 (ATPase H+ transporting V1 subunit B1; plus strand). Cytogenetic location: 2p13.3.
Variant type: single nucleotide variant.
Coding change: c.941G>A on transcript NM_001692.4 (MANE Select); coding-DNA position 941, G replaced by A.
Protein change: p.Arg314His; replaces arginine 314 with histidine.
Molecular consequence: missense variant.
Genome position (GRCh38, 1-based): chr2:70,963,193, G>A. VCF-style: chr2-70963193-G-A. GRCh37 (hg19) VCF-style: chr2-71190323-G-A.
Other names: short protein forms R314H.
Identifiers: ClinVar variation 228452 (VCV000228452.9), dbSNP rs782110679, ClinGen allele CA1701208.